The following is an entry in ClinVar:

ClinVar aggregate classification (germline): Likely benign. Review status: criteria provided, multiple submitters, no conflicts (2 of 4 stars). 3 submissions from 3 submitters: Likely benign (3). Last evaluated 2026-05-13.

Conditions:
Cardiovascular phenotype. Identifiers: MedGen CN230736.
Hereditary cancer-predisposing syndrome. Also called: Tumor predisposition; Hereditary Cancer Syndrome; Hereditary neoplastic syndrome; Neoplastic Syndromes, Hereditary. Identifiers: Orphanet 140162, MedGen C0027672, MeSH D009386, MONDO:0015356.
Neurofibromatosis, type 1 (NF1). Also called: NEUROFIBROMATOSIS, TYPE I, SOMATIC; Peripheral type neurofibromatosis; VON RECKLINGHAUSEN DISEASE; Neurofibromatosis, type I. Identifiers: Orphanet 636, MedGen C0027831, MONDO:0018975, OMIM 162200. Disease mechanism: loss of function.

Allele frequency attached by ClinVar (database versions not stated): gnomAD 0.00001; gnomAD exomes below 0.00001; TOPMed 0.00002; ESP Exome Variant Server 0.00008.
gnomAD v4.1: 6 of 1,565,318 alleles (0.00038%); highest among the groups gnomAD compares: African/African-American, 0.004%; no homozygotes.

Submissions (3):

Myriad Genetics, Inc.
Classification: Likely benign for Neurofibromatosis, type 1. Last evaluated: 2026-05-13. Review status: criteria provided, single submitter. Criteria: Myriad Autosomal Dominant, Autosomal Recessive and X-Linked Classification Criteria (2023). Collection method: clinical testing. Allele origin: unknown.
Comment: This variant is considered likely benign. This variant is intronic and is not expected to impact mRNA splicing.

Labcorp Genetics (formerly Invitae), Labcorp
Classification: Likely benign for Neurofibromatosis, type 1. Last evaluated: 2026-01-20. Review status: criteria provided, single submitter. Criteria: Invitae Variant Classification Sherloc (09022015). Collection method: clinical testing. Allele origin: germline.

Ambry Genetics
Classification: Likely benign for Cardiovascular phenotype; Hereditary cancer-predisposing syndrome. Last evaluated: 2023-11-18. Review status: criteria provided, single submitter. Criteria: Ambry Variant Classification Scheme 2023. Collection method: clinical testing. Allele origin: germline.

NM_001042492.3(NF1):c.4333-4G>A

Gene: NF1 (neurofibromin 1; plus strand). Cytogenetic location: 17q11.2.
Variant type: single nucleotide variant.
Coding change: c.4333-4G>A on transcript NM_001042492.3 (MANE Select); 4 bases into the intron before coding-DNA position 4333, G replaced by A.
Molecular consequence: intron variant.
Genome position (GRCh38, 1-based): chr17:31,259,028, G>A. VCF-style: chr17-31259028-G-A. GRCh37 (hg19) VCF-style: chr17-29586046-G-A.
Other names: c.4270-4G>A (NM_000267.4).
Identifiers: ClinVar variation 824742 (VCV000824742.12), dbSNP rs372709098, ClinGen allele CA289352349.